The following is an entry in ClinVar:

ClinVar aggregate classification (germline): Uncertain significance (1 of 4 stars; one submission).

gnomAD v4.1: 2 of 1,613,552 alleles (0.00012%); highest among the groups gnomAD compares: Non-Finnish European, 0.00017%; no homozygotes.

Submission:

GeneDx
Classification: Uncertain significance. Last evaluated: 2025-05-24. Review status: criteria provided, single submitter. Criteria: GeneDx Variant Classification Process June 2021. Collection method: clinical testing. Allele origin: germline. Affected: yes.
Comment: Not observed at significant frequency in large population cohorts (gnomAD); In silico analysis supports that this missense variant has a deleterious effect on protein structure/function; Has not been previously published as pathogenic or benign to our knowledge

NM_001394998.1(TANC2):c.2456T>C (p.Met819Thr)

Gene: TANC2 (tetratricopeptide repeat, ankyrin repeat and coiled-coil containing 2; plus strand). Cytogenetic location: 17q23.3.
Variant type: single nucleotide variant.
Coding change: c.2456T>C on transcript NM_001394998.1 (MANE Select); coding-DNA position 2456, T replaced by C.
Protein change: p.Met819Thr; replaces methionine 819 with threonine.
Molecular consequence: missense variant.
Genome position (GRCh38, 1-based): chr17:63,355,264, T>C. VCF-style: chr17-63355264-T-C. GRCh37 (hg19) VCF-style: chr17-61432625-T-C.
Other names: c.2234T>C, p.Met745Thr (NM_001411076.1, NM_025185.4); short protein forms M745T, M819T.
Identifiers: ClinVar variation 4530769 (VCV004530769.1).